The following is an entry in ClinVar:

NM_017534.6(MYH2):c.2405T>A (p.Leu802Ter)

Genes: MYH2 (myosin heavy chain 2; minus strand), MYHAS (myosin heavy chain gene cluster antisense RNA; plus strand). Cytogenetic location: 17p13.1.
Variant type: single nucleotide variant.
Coding change: c.2405T>A on transcript NM_017534.6 (MANE Select); coding-DNA position 2405, T replaced by A.
Protein change: p.Leu802Ter; replaces leucine 802 with a stop codon.
Molecular consequence: nonsense.
Genome position (GRCh38, 1-based): chr17:10,533,321, A>T on the plus strand (T>A on the coding strand, the complement: MYH2 is on the minus strand). VCF-style: chr17-10533321-A-T. GRCh37 (hg19) VCF-style: chr17-10436638-A-T.
Other names: c.2405T>A, p.Leu802Ter (NM_001100112.2); short protein forms L802*.
Identifiers: ClinVar variation 183664 (VCV000183664.8), dbSNP rs758395765, ClinGen allele CA186122.

ClinVar aggregate classification (germline): Pathogenic. Review status: criteria provided, single submitter (1 of 4 stars). 2 submissions from 2 submitters: Pathogenic (1). 1 of the submissions does not count toward it. Last evaluated 2025-06-10.

Conditions:
Myopathy, proximal, and ophthalmoplegia (CMYO6). Also called: MYOPATHY WITH CONGENITAL JOINT CONTRACTURES, OPHTHALMOPLEGIA, AND RIMMED VACUOLES; INCLUSION BODY MYOPATHY 3, AUTOSOMAL DOMINANT; CONGENITAL MYOPATHY 6 WITH OPHTHALMOPLEGIA. Identifiers: Orphanet 363677, Orphanet 79091, MedGen C1854106, MONDO:0011577, OMIM 605637.

Allele frequency attached by ClinVar (database versions not stated): gnomAD exomes 0.00006 and 0.00013; gnomAD 0.00016 and 0.00018; TOPMed below 0.00001; ExAC 0.00005.
gnomAD v4.1: 106 of 1,614,068 alleles (0.0066%); highest among the groups gnomAD compares: Non-Finnish European, 0.00051%; no homozygotes.

Submissions (2):

Labcorp Genetics (formerly Invitae), Labcorp
Classification: Pathogenic for Myopathy, proximal, and ophthalmoplegia. Last evaluated: 2025-06-10. Review status: criteria provided, single submitter. Criteria: Invitae Variant Classification Sherloc (09022015). Collection method: clinical testing. Allele origin: germline.
Comment: This sequence change creates a premature translational stop signal (p.Leu802*) in the MYH2 gene. It is expected to result in an absent or disrupted protein product. Loss-of-function variants in MYH2 are known to be pathogenic (PMID: 20418530, 23388406, 24193343). This variant is present in population databases (rs758395765, gnomAD 0.2%). This premature translational stop signal has been observed in individual(s) with clinical features of autosomal recessive MYH2-related conditions (PMID: 20418530). ClinVar contains an entry for this variant (Variation ID: 183664). For these reasons, this variant has been classified as Pathogenic.

OMIM
Classification: Pathogenic for CONGENITAL MYOPATHY 6 WITH OPHTHALMOPLEGIA, AUTOSOMAL RECESSIVE. Last evaluated: 2010-05-01. Review status: no assertion criteria provided. Collection method: literature only. Allele origin: germline. Not counted in ClinVar's aggregate classification.

Literature cited by the submitters: PubMed 20418530 (cited by Labcorp Genetics (formerly Invitae), Labcorp and OMIM); PubMed 23388406 (cited by Labcorp Genetics (formerly Invitae), Labcorp); PubMed 24193343 (cited by Labcorp Genetics (formerly Invitae), Labcorp).